The following is an entry in ClinVar:

NM_001904.4(CTNNB1):c.1324G>A (p.Gly442Ser)

Genes: CTNNB1 (catenin beta 1; plus strand), LOC126806659 (BRD4-independent group 4 enhancer GRCh37_chr3:41274918-41276117; plus strand). Cytogenetic location: 3p22.1.
Variant type: single nucleotide variant.
Coding change: c.1324G>A on transcript NM_001904.4 (MANE Select); coding-DNA position 1324, G replaced by A.
Protein change: p.Gly442Ser; replaces glycine 442 with serine.
Molecular consequence: missense variant.
Genome position (GRCh38, 1-based): chr3:41,233,667, G>A. VCF-style: chr3-41233667-G-A. GRCh37 (hg19) VCF-style: chr3-41275158-G-A.
Other names: c.1324G>A, p.Gly442Ser (NM_001098209.2, NM_001098210.2, NM_001438871.1 and 4 more transcripts); c.1303G>A, p.Gly435Ser (NM_001330729.2); short protein forms G435S, G442S.
Identifiers: ClinVar variation 4530138 (VCV004530138.1).

ClinVar aggregate classification (somatic clinical impact): Tier II - Potential (1 of 4 stars; one submission).

Conditions:
Embryonal rhabdomyosarcoma (ERMS). Also called: Botryoid rhabdomyosarcoma (type of ERMS); Spindle cell rhabdomyosarcomas (type of ERMS). Identifiers: Orphanet 99757, MedGen C0206656, MONDO:0009993, HP:0006743.

Submission:

Institute for Genomic Medicine (IGM) Clinical Laboratory, Nationwide Children's Hospital
Classification: Tier II - Potential for Embryonal rhabdomyosarcoma. Assertion type: diagnostic. Clinical significance: supports diagnosis. Last evaluated: 2024-04-09. Review status: criteria provided, single submitter. Criteria: AMP/ASCO/CAP Guidelines, 2017. Collection method: clinical testing. Allele origin: somatic. Affected: yes.
Comment: Variant has Tier II (potential) clinical significance as a diagnostic inclusion criterion in embryonal rhabdomyosarcoma, based on the following evidence: 1) Appears in one or more well-established professional guidelines (e.g., World Health Organization [WHO]; National Comprehensive Cancer Network [NCCN]) as providing diagnostic, prognostic, or therapeutic information. 2) Diagnostic significance based on multiple small studies (Evidence Level C; PMIDs: 34166060, 24436047, 24332040, 22142829).

Literature cited by the submitters: PubMed 34166060; PubMed 24436047; PubMed 24332040; PubMed 22142829.